The following is an entry in ClinVar:

NC_000011.9:g.(108114846_108115514)_(108239827_?)dup

Gene: ATM (ATM serine/threonine kinase; plus strand). Cytogenetic location: 11q22.3.
Variant type: Duplication.
Identifiers: ClinVar variation 1217236 (VCV001217236.1).

ClinVar aggregate classification (germline): Uncertain significance (1 of 4 stars; one submission).

Submission:

Women's Health and Genetics/Laboratory Corporation of America, LabCorp
Classification: Uncertain significance. Last evaluated: 2021-08-11. Review status: criteria provided, single submitter. Criteria: LabCorp Variant Classification Summary - May 2015. Collection method: clinical testing. Allele origin: germline.
Comment: Variant summary: The variant identified by MLPA or other technology involves the duplication of exons 7 to 63 (i.e. the last exon) in the ATM gene. The exact breakpoint at the 3' end of this variant is unknown and therefore this duplication might extend beyond the assayed region of the ATM gene. A presumed nomenclature of c.(662+1_663-1)_(*3592_?)dup has been designated for the purposes of this classification. It has been assumed that this is a tandem duplication in direct orientation (Richardson_GIM_2018, Newman_AJHG_2015). The variant was absent in 21680 control chromosomes in the gnomAD database, structural variants dataset. The available data on variant occurrences in the general population are insufficient to allow any conclusion about variant significance. To our knowledge, no occurrence of c.(662+1_663-1)_(*3592_?)dup in individuals affected with Breast Cancer and no experimental evidence demonstrating its impact on protein function have been reported. One clinical diagnostic laboratory has submitted clinical-significance assessments for this variant to ClinVar after 2014, and classified the variant as uncertain significance. Based on the evidence outlined above, the variant was classified as uncertain significance.